The following is an entry in ClinVar:

ClinVar aggregate classification (germline): Likely benign (1 of 4 stars; one submission).

gnomAD v4.1: 29 of 1,613,992 alleles (0.0018%); highest among the groups gnomAD compares: Admixed American, 0.0033%; no homozygotes.

Submission:

CeGaT Center for Human Genetics Tuebingen
Classification: Likely benign. Last evaluated: 2025-12-01. Review status: criteria provided, single submitter. Criteria: CeGaT Center For Human Genetics Tuebingen Variant Classification Criteria Version 2. Collection method: clinical testing. Allele origin: germline. Affected: yes. Observed: 1 variant allele.
Comment: SPEN: BP4, BP7

NM_015001.3(SPEN):c.8679T>C (p.Tyr2893=)

Gene: SPEN (spen family transcriptional repressor; plus strand). Cytogenetic location: 1p36.13.
Variant type: single nucleotide variant.
Coding change: c.8679T>C on transcript NM_015001.3 (MANE Select); coding-DNA position 8679, T replaced by C.
Protein change: p.Tyr2893=; no amino-acid change (tyrosine 2893 retained).
Molecular consequence: synonymous variant.
Genome position (GRCh38, 1-based): chr1:15,934,919, T>C. VCF-style: chr1-15934919-T-C. GRCh37 (hg19) VCF-style: chr1-16261414-T-C.
Identifiers: ClinVar variation 4681673 (VCV004681673.5).